The following is an entry in ClinVar:

ClinVar aggregate classification (germline): Uncertain significance. Review status: criteria provided, multiple submitters, no conflicts (2 of 4 stars). 2 submissions from 2 submitters: Uncertain significance (2). Last evaluated 2024-03-20.

Conditions:
Developmental and epileptic encephalopathy, 41 (DEE41). Also called: Epileptic encephalopathy, early infantile, 41. Identifiers: MedGen C4310717, MONDO:0014916, OMIM 617105.
Inborn genetic diseases. Identifiers: MedGen C0950123, MeSH D030342.

Allele frequency attached by ClinVar (database versions not stated): gnomAD exomes below 0.00001; TOPMed below 0.00001.
gnomAD v4.1: 2 of 1,614,190 alleles (0.00012%); highest among the groups gnomAD compares: Admixed American, 0.0017%; no homozygotes.

Submissions (2):

Ambry Genetics
Classification: Uncertain significance for Inborn genetic diseases. Last evaluated: 2024-03-20. Review status: criteria provided, single submitter. Criteria: Ambry Variant Classification Scheme 2023. Collection method: clinical testing. Allele origin: germline.

Neuberg Centre For Genomic Medicine, NCGM
Classification: Uncertain significance for Developmental and epileptic encephalopathy, 41. Review status: criteria provided, single submitter. Criteria: ACMG Guidelines, 2015. Collection method: clinical testing. Allele origin: germline. Affected: yes.
Comment: The missense variant p.I130T in SLC1A2 (NM_004171.4) has not been reported previously as a pathogenic variant nor as a benign variant, to our knowledge. The p.I130T variant is novel (not in any individuals) in gnomAD Exomes and is novel (not in any individuals) in 1000 Genomes. The p.I130T missense variant is predicted to be damaging by both SIFT and PolyPhen2. The isoleucine residue at codon 130 of SLC1A2 is conserved in all mammalian species. The nucleotide c.389 in SLC1A2 is predicted conserved by GERP++ and PhyloP across 100 vertebrates. For these reasons, this variant has been classified as Uncertain Significance.

NM_004171.4(SLC1A2):c.389T>C (p.Ile130Thr)

Gene: SLC1A2 (solute carrier family 1 member 2; minus strand). Cytogenetic location: 11p13.
Variant type: single nucleotide variant.
Coding change: c.389T>C on transcript NM_004171.4 (MANE Select); coding-DNA position 389, T replaced by C.
Protein change: p.Ile130Thr; replaces isoleucine 130 with threonine.
Molecular consequence: missense variant.
Genome position (GRCh38, 1-based): chr11:35,312,370, A>G on the plus strand (T>C on the coding strand, the complement: SLC1A2 is on the minus strand). VCF-style: chr11-35312370-A-G. GRCh37 (hg19) VCF-style: chr11-35333917-A-G.
Other names: c.362T>C, p.Ile121Thr (NM_001195728.3, NM_001252652.2); c.389T>C (NM_004171.3); short protein forms I121T, I130T.
Identifiers: ClinVar variation 1339083 (VCV001339083.3), dbSNP rs1851734643, ClinGen allele CA380129583.